The following is an entry in ClinVar:

NM_032737.4(LMNB2):c.1082C>T (p.Thr361Met)

Gene: LMNB2 (lamin B2; minus strand). Cytogenetic location: 19p13.3.
Variant type: single nucleotide variant.
Coding change: c.1082C>T on transcript NM_032737.4 (MANE Select); coding-DNA position 1082, C replaced by T.
Protein change: p.Thr361Met; replaces threonine 361 with methionine.
Molecular consequence: missense variant.
Genome position (GRCh38, 1-based): chr19:2,434,415, G>A on the plus strand (C>T on the coding strand, the complement: LMNB2 is on the minus strand). VCF-style: chr19-2434415-G-A. GRCh37 (hg19) VCF-style: chr19-2434413-G-A.
Other names: short protein forms T361M.
Identifiers: ClinVar variation 651073 (VCV000651073.8), dbSNP rs148473288, ClinGen allele CA304225814.

ClinVar aggregate classification (germline): Uncertain significance (1 of 4 stars; one submission).

Conditions:
Lipodystrophy, partial, acquired, susceptibility to (APLD). Also called: APLD, SUSCEPTIBILITY TO. Identifiers: MedGen C3887501, MONDO:0100476, OMIM 608709.
Progressive myoclonic epilepsy type 9. Identifiers: Orphanet 457265, MedGen C4225289, MONDO:0014685, OMIM 616540.

Allele frequency attached by ClinVar (database versions not stated): gnomAD 0.00002; TOPMed 0.00002; gnomAD exomes 0.00001 and 0.00002; ESP Exome Variant Server 0.00008.
gnomAD v4.1: 13 of 1,613,350 alleles (0.00081%); highest among the groups gnomAD compares: Admixed American, 0.0067%; no homozygotes.

Submission:

Labcorp Genetics (formerly Invitae), Labcorp
Classification: Uncertain significance for Progressive myoclonic epilepsy type 9; Lipodystrophy, partial, acquired, susceptibility to. Last evaluated: 2025-02-12. Review status: criteria provided, single submitter. Criteria: Invitae Variant Classification Sherloc (09022015). Collection method: clinical testing. Allele origin: germline.
Comment: This sequence change replaces threonine, which is neutral and polar, with methionine, which is neutral and non-polar, at codon 361 of the LMNB2 protein (p.Thr361Met). This variant is present in population databases (rs148473288, gnomAD 0.009%). This variant has not been reported in the literature in individuals affected with LMNB2-related conditions. ClinVar contains an entry for this variant (Variation ID: 651073). Invitae Evidence Modeling of protein sequence and biophysical properties (such as structural, functional, and spatial information, amino acid conservation, physicochemical variation, residue mobility, and thermodynamic stability) indicates that this missense variant is expected to disrupt LMNB2 protein function with a positive predictive value of 80%. In summary, the available evidence is currently insufficient to determine the role of this variant in disease. Therefore, it has been classified as a Variant of Uncertain Significance.